The following is an entry in ClinVar:

ClinVar aggregate classification (germline): Uncertain significance (1 of 4 stars; one submission).

Conditions:
Epidermolysis bullosa simplex 3, localized or generalized intermediate, with BP230 deficiency (EBS3). Also called: Epidermolysis bullosa simplex, autosomal recessive 2; Epidermolysis bullosa simplex due to BP230 deficiency. Identifiers: Orphanet 412181, MedGen C3809470, MONDO:0014180, OMIM 615425.
Hereditary sensory and autonomic neuropathy type 6. Also called: Neuropathy, hereditary sensory and autonomic, type VI; HSAN VI. Identifiers: Orphanet 314381, MedGen C3539003, MONDO:0013839, OMIM 614653.

gnomAD v4.1: 1 of 1,613,980 alleles (0.000062%); highest among the groups gnomAD compares: Non-Finnish European, 0.000085%; no homozygotes.

Submission:

Labcorp Genetics (formerly Invitae), Labcorp
Classification: Uncertain significance for Epidermolysis bullosa simplex 3, localized or generalized intermediate, with BP230 deficiency; Hereditary sensory and autonomic neuropathy type 6. Last evaluated: 2022-11-25. Review status: criteria provided, single submitter. Criteria: Invitae Variant Classification Sherloc (09022015). Collection method: clinical testing. Allele origin: germline.
Comment: This sequence change replaces histidine, which is basic and polar, with arginine, which is basic and polar, at codon 1631 of the DST protein (p.His1631Arg). This variant is not present in population databases (gnomAD no frequency). This variant has not been reported in the literature in individuals affected with DST-related conditions. Algorithms developed to predict the effect of missense changes on protein structure and function (SIFT, PolyPhen-2, Align-GVGD) all suggest that this variant is likely to be tolerated. In summary, the available evidence is currently insufficient to determine the role of this variant in disease. Therefore, it has been classified as a Variant of Uncertain Significance.

NM_001723.7(DST):c.4892A>G (p.His1631Arg)

Gene: DST (dystonin; minus strand). Cytogenetic location: 6p12.1.
Variant type: single nucleotide variant.
Coding change: c.4892A>G on transcript NM_001723.7 (MANE Plus Clinical); coding-DNA position 4892, A replaced by G.
Protein change: p.His1631Arg; replaces histidine 1631 with arginine.
Molecular consequence: missense variant. On other transcripts: intron variant (10).
Genome position (GRCh38, 1-based): chr6:56,619,142, T>C on the plus strand (A>G on the coding strand, the complement: DST is on the minus strand). VCF-style: chr6-56619142-T-C. GRCh37 (hg19) VCF-style: chr6-56483940-T-C.
Other names: c.4831-4658A>G (NM_001144769.5); c.4930-4658A>G (NM_001374722.1, NM_001374736.1); c.4957-4658A>G (NM_001374734.1); c.4417-4658A>G (NM_001144770.2); c.4297-4658A>G (NM_001374730.1, NM_001386100.1, NM_183380.4 and 1 more transcripts); c.3319-4658A>G (NM_015548.5); short protein forms H1631R.
Identifiers: ClinVar variation 2161871 (VCV002161871.4), dbSNP rs1305180016, ClinGen allele CA364568629.